The following is an entry in ClinVar:

NM_004521.3(KIF5B):c.1900C>G (p.Leu634Val)

Gene: KIF5B (kinesin family member 5B; minus strand). Cytogenetic location: 10p11.22.
Variant type: single nucleotide variant.
Coding change: c.1900C>G on transcript NM_004521.3 (MANE Select); coding-DNA position 1900, C replaced by G.
Protein change: p.Leu634Val; replaces leucine 634 with valine.
Molecular consequence: missense variant.
Genome position (GRCh38, 1-based): chr10:32,022,862, G>C on the plus strand (C>G on the coding strand, the complement: KIF5B is on the minus strand). VCF-style: chr10-32022862-G-C. GRCh37 (hg19) VCF-style: chr10-32311790-G-C.
Other names: short protein forms L634V.
Identifiers: ClinVar variation 4681048 (VCV004681048.1).

ClinVar aggregate classification (germline): Uncertain significance (1 of 4 stars; one submission).

Submission:

GeneDx
Classification: Uncertain significance. Last evaluated: 2025-07-05. Review status: criteria provided, single submitter. Criteria: GeneDx Variant Classification Process June 2021. Collection method: clinical testing. Allele origin: germline. Affected: yes.
Comment: Not observed at significant frequency in large population cohorts (gnomAD); In silico analysis supports that this missense variant has a deleterious effect on protein structure/function; In silico analysis supports a deleterious effect on splicing; Has not been previously published as pathogenic or benign to our knowledge